The following is an entry in ClinVar:

ClinVar aggregate classification (germline): Uncertain significance (1 of 4 stars; one submission).

Conditions:
Long QT syndrome (LQTS). Identifiers: MedGen C0023976, MeSH D008133, MONDO:0002442. Disease mechanism: loss of function. Inheritance: Various modes of inheritance.

Submission:

Labcorp Genetics (formerly Invitae), Labcorp
Classification: Uncertain significance for Long QT syndrome. Last evaluated: 2018-10-31. Review status: criteria provided, single submitter. Criteria: Invitae Variant Classification Sherloc (09022015). Collection method: clinical testing. Allele origin: germline.
Comment: This sequence change replaces leucine with arginine at codon 1186 of the AKAP9 protein (p.Leu1186Arg). The leucine residue is weakly conserved and there is a moderate physicochemical difference between leucine and arginine. This variant is not present in population databases (ExAC no frequency). This variant has not been reported in the literature in individuals with AKAP9-related disease. Algorithms developed to predict the effect of missense changes on protein structure and function (SIFT, PolyPhen-2, Align-GVGD) all suggest that this variant is likely to be tolerated, but these predictions have not been confirmed by published functional studies and their clinical significance is uncertain. In summary, the available evidence is currently insufficient to determine the role of this variant in disease. Therefore, it has been classified as a Variant of Uncertain Significance.

NM_005751.5(AKAP9):c.3557T>G (p.Leu1186Arg)

Gene: AKAP9 (A-kinase anchoring protein 9; plus strand). Cytogenetic location: 7q21.2.
Variant type: single nucleotide variant.
Coding change: c.3557T>G on transcript NM_005751.5 (MANE Select); coding-DNA position 3557, T replaced by G.
Protein change: p.Leu1186Arg; replaces leucine 1186 with arginine.
Molecular consequence: missense variant.
Genome position (GRCh38, 1-based): chr7:92,014,273, T>G. VCF-style: chr7-92014273-T-G. GRCh37 (hg19) VCF-style: chr7-91643587-T-G.
Other names: c.3557T>G, p.Leu1186Arg (NM_147185.3); short protein forms L1186R.
Identifiers: ClinVar variation 646661 (VCV000646661.8), dbSNP rs995498018, ClinGen allele CA161884620.